The following is an entry in ClinVar:

NM_000211.5(ITGB2):c.2302G>C (p.Glu768Gln)

Gene: ITGB2 (integrin subunit beta 2; minus strand). Cytogenetic location: 21q22.3.
Variant type: single nucleotide variant.
Coding change: c.2302G>C on transcript NM_000211.5 (MANE Select); coding-DNA position 2302, G replaced by C.
Protein change: p.Glu768Gln; replaces glutamic acid 768 with glutamine.
Molecular consequence: missense variant.
Genome position (GRCh38, 1-based): chr21:44,886,376, C>G on the plus strand (G>C on the coding strand, the complement: ITGB2 is on the minus strand). VCF-style: chr21-44886376-C-G. GRCh37 (hg19) VCF-style: chr21-46306291-C-G.
Other names: c.2302G>C, p.Glu768Gln (NM_001127491.3); c.2095G>C, p.Glu699Gln (NM_001303238.2); short protein forms E768Q, E699Q.
Identifiers: ClinVar variation 1934426 (VCV001934426.2), dbSNP rs372064061, ClinGen allele CA10062489.

ClinVar aggregate classification (germline): Uncertain significance (1 of 4 stars; one submission).

Conditions:
Leukocyte adhesion deficiency 1 (LAD1). Also called: LEUKOCYTE ADHESION DEFICIENCY, TYPE I; LAD 1; Lymphocyte function-associated antigen 1 immunodeficiency; LFA 1 immunodeficiency. Identifiers: Orphanet 2968, Orphanet 99842, MedGen C0398738, MONDO:0007293, OMIM 116920.

Allele frequency attached by ClinVar (database versions not stated): TOPMed below 0.00001; gnomAD 0.00003.
gnomAD v4.1: 43 of 1,614,118 alleles (0.0027%); highest among the groups gnomAD compares: South Asian, 0.043%; 1 homozygote.

Submission:

Labcorp Genetics (formerly Invitae), Labcorp
Classification: Uncertain significance for Leukocyte adhesion deficiency 1. Last evaluated: 2022-06-30. Review status: criteria provided, single submitter. Criteria: Invitae Variant Classification Sherloc (09022015). Collection method: clinical testing. Allele origin: germline.
Comment: This sequence change replaces glutamic acid, which is acidic and polar, with glutamine, which is neutral and polar, at codon 768 of the ITGB2 protein (p.Glu768Gln). This variant is present in population databases (rs372064061, gnomAD 0.04%). This variant has not been reported in the literature in individuals affected with ITGB2-related conditions. Algorithms developed to predict the effect of missense changes on protein structure and function are either unavailable or do not agree on the potential impact of this missense change (SIFT: "Deleterious"; PolyPhen-2: "Benign"; Align-GVGD: "Class C0"). In summary, the available evidence is currently insufficient to determine the role of this variant in disease. Therefore, it has been classified as a Variant of Uncertain Significance.